The following is an entry in ClinVar:

NM_170754.4(TNS2):c.619A>G (p.Lys207Glu)

Gene: TNS2 (tensin 2; plus strand). Cytogenetic location: 12q13.13.
Variant type: single nucleotide variant.
Coding change: c.619A>G on transcript NM_170754.4 (MANE Select); coding-DNA position 619, A replaced by G.
Protein change: p.Lys207Glu; replaces lysine 207 with glutamic acid.
Molecular consequence: missense variant.
Genome position (GRCh38, 1-based): chr12:53,055,613, A>G. VCF-style: chr12-53055613-A-G. GRCh37 (hg19) VCF-style: chr12-53449397-A-G.
Other names: c.619A>G, p.Lys207Glu (NM_001416202.1, NM_001416204.1); c.550A>G, p.Lys184Glu (NM_001416203.1, NM_015319.3); c.247A>G, p.Lys83Glu (NM_198316.2); short protein forms K83E, K217E, K207E, K184E.
Identifiers: ClinVar variation 2093627 (VCV002093627.4), dbSNP rs2539630680, ClinGen allele CA385004793.
Genomic context (GRCh38, chr12:53,055,613, plus strand): 5'-CTGCATTCTCCCCAGGTTCAAGACTTCGGCTGGCCTGAGCTGCATGCTCCACCCCTGGAC[A>G]AGCTGTGCTCCATCTGCAAAGCCATGGAGACATGGCTCAGTGCTGACCCACAGCACGTGG-3'
Protein context (NP_736610.2, residues 197-217): WPELHAPPLD[Lys207Glu]LCSICKAMET

ClinVar aggregate classification (germline): Uncertain significance (1 of 4 stars; one submission).

Allele frequency attached by ClinVar (database versions not stated): gnomAD exomes below 0.00001.

Submission:

Labcorp Genetics (formerly Invitae), Labcorp
Classification: Uncertain significance. Last evaluated: 2022-04-19. Review status: criteria provided, single submitter. Criteria: Invitae Variant Classification Sherloc (09022015). Collection method: clinical testing. Allele origin: germline.
Comment: In summary, the available evidence is currently insufficient to determine the role of this variant in disease. Therefore, it has been classified as a Variant of Uncertain Significance. Algorithms developed to predict the effect of missense changes on protein structure and function are either unavailable or do not agree on the potential impact of this missense change (SIFT: "Tolerated"; PolyPhen-2: "Probably Damaging"; Align-GVGD: "Class C0"). This variant has not been reported in the literature in individuals affected with TNS2-related conditions. This variant is not present in population databases (gnomAD no frequency). This sequence change replaces lysine, which is basic and polar, with glutamic acid, which is acidic and polar, at codon 217 of the TNS2 protein (p.Lys217Glu).